The following is an entry in ClinVar:

NM_000414.4(HSD17B4):c.943C>T (p.Arg315Cys)

Gene: HSD17B4 (hydroxysteroid 17-beta dehydrogenase 4; plus strand). Cytogenetic location: 5q23.1.
Variant type: single nucleotide variant.
Coding change: c.943C>T on transcript NM_000414.4 (MANE Select); coding-DNA position 943, C replaced by T.
Protein change: p.Arg315Cys; replaces arginine 315 with cysteine.
Molecular consequence: missense variant.
Genome position (GRCh38, 1-based): chr5:119,496,617, C>T. VCF-style: chr5-119496617-C-T. GRCh37 (hg19) VCF-style: chr5-118832312-C-T.
Other names: c.1018C>T, p.Arg340Cys (NM_001199291.3); c.889C>T, p.Arg297Cys (NM_001199292.2); c.871C>T, p.Arg291Cys (NM_001292027.2); c.523C>T, p.Arg175Cys (NM_001292028.2); short protein forms R315C, R297C, R340C, R175C, R291C.
Identifiers: ClinVar variation 350464 (VCV000350464.6), dbSNP rs373503389, ClinGen allele CA3382043.

ClinVar aggregate classification (germline): Uncertain significance. Review status: criteria provided, multiple submitters, no conflicts (2 of 4 stars). 3 submissions from 2 submitters: Uncertain significance (3). Last evaluated 2022-06-04.

Conditions:
Bifunctional peroxisomal enzyme deficiency (DBIF). Also called: DBP DEFICIENCY; PBFE DEFICIENCY; D-bifunctional protein deficiency. Identifiers: Orphanet 300, MedGen C0342870, MONDO:0009855, OMIM 261515. Disease mechanism: loss of function.
Perrault syndrome. Also called: Gonadal dysgenesis with auditory dysfunction, autosomal recessive inheritance. Identifiers: Orphanet 2855, MedGen C0685838, MONDO:0017312.
Perrault syndrome 1 (PRLTS1). Also called: GONADAL DYSGENESIS, XX TYPE, WITH DEAFNESS; OVARIAN DYSGENESIS WITH SENSORINEURAL DEAFNESS. Identifiers: Orphanet 2855, Orphanet 642945, MedGen C4551721, MONDO:0009300, OMIM 233400.

Allele frequency attached by ClinVar (database versions not stated): TOPMed 0.00001; gnomAD 0.00002; gnomAD exomes 0.00003; ExAC 0.00005; ESP Exome Variant Server 0.00008.
gnomAD v4.1: 14 of 1,602,146 alleles (0.00087%); highest among the groups gnomAD compares: Admixed American, 0.0067%; no homozygotes.

Submissions (3):

Labcorp Genetics (formerly Invitae), Labcorp
Classification: Uncertain significance for Perrault syndrome; Bifunctional peroxisomal enzyme deficiency. Last evaluated: 2022-06-04. Review status: criteria provided, single submitter. Criteria: Invitae Variant Classification Sherloc (09022015). Collection method: clinical testing. Allele origin: germline.
Comment: This sequence change replaces arginine, which is basic and polar, with cysteine, which is neutral and slightly polar, at codon 315 of the HSD17B4 protein (p.Arg315Cys). This variant is present in population databases (rs373503389, gnomAD 0.01%). This variant has not been reported in the literature in individuals affected with HSD17B4-related conditions. ClinVar contains an entry for this variant (Variation ID: 350464). Advanced modeling of protein sequence and biophysical properties (such as structural, functional, and spatial information, amino acid conservation, physicochemical variation, residue mobility, and thermodynamic stability) performed at Invitae indicates that this missense variant is not expected to disrupt HSD17B4 protein function. In summary, the available evidence is currently insufficient to determine the role of this variant in disease. Therefore, it has been classified as a Variant of Uncertain Significance.

Illumina Laboratory Services, Illumina
Classification: Uncertain significance for Bifunctional peroxisomal enzyme deficiency. Last evaluated: 2018-01-13. Review status: criteria provided, single submitter. Criteria: ICSL Variant Classification Criteria 13 December 2019. Collection method: clinical testing. Allele origin: germline.

Illumina Laboratory Services, Illumina
Classification: Uncertain significance for Perrault syndrome 1. Last evaluated: 2018-01-13. Review status: criteria provided, single submitter. Criteria: ICSL Variant Classification Criteria 13 December 2019. Collection method: clinical testing. Allele origin: germline.